The following is an entry in ClinVar:

NM_001033855.3(DCLRE1C):c.169G>T (p.Val57Phe)

Gene: DCLRE1C (DNA cross-link repair 1C; minus strand). Cytogenetic location: 10p13.
Variant type: single nucleotide variant.
Coding change: c.169G>T on transcript NM_001033855.3 (MANE Select); coding-DNA position 169, G replaced by T.
Protein change: p.Val57Phe; replaces valine 57 with phenylalanine.
Molecular consequence: missense variant. On other transcripts: 5 prime UTR variant (8), non-coding transcript variant (4), intron variant (1).
Genome position (GRCh38, 1-based): chr10:14,945,182, C>A on the plus strand (G>T on the coding strand, the complement: DCLRE1C is on the minus strand). VCF-style: chr10-14945182-C-A. GRCh37 (hg19) VCF-style: chr10-14987181-C-A.
Other names: NM_001033855.3(DCLRE1C):c.169G>T; p.Val57Phe; c.-192G>T (NM_001033857.3, NM_001289077.2, NM_001350967.2); c.-514G>T (NM_001033858.3, NM_001289079.2); c.-121G>T (NM_001289078.2, NM_001350966.2, NM_022487.4); c.169G>T, p.Val57Phe (NM_001350965.2); c.-44+3854G>T (NM_001289076.2); short protein forms V57F.
Identifiers: ClinVar variation 299322 (VCV000299322.31), dbSNP rs138077101, ClinGen allele CA5416981.

ClinVar aggregate classification (germline): Likely benign. Review status: reviewed by expert panel (3 of 4 stars). 9 submissions from 9 submitters: Likely benign (1). 8 of the submissions do not count toward it. Last evaluated 2023-11-14.

Conditions:
DCLRE1C-related disorder. Also called: DCLRE1C-related condition.
Inborn genetic diseases. Identifiers: MedGen C0950123, MeSH D030342.
Severe combined immunodeficiency due to DCLRE1C deficiency (RS-SCID). Also called: SCID, AUTOSOMAL RECESSIVE, T CELL-NEGATIVE, B CELL-NEGATIVE, NK CELL-POSITIVE, WITH SENSITIVITY TO IONIZING RADIATION. Identifiers: Orphanet 275, MedGen C1865371, MONDO:0011225, OMIM 602450.
Athabaskan severe combined immunodeficiency (SCIDA). Also called: Severe combined immunodeficiency, athabascan-type. Identifiers: MedGen C1865370.
Histiocytic medullary reticulosis. Also called: SEVERE COMBINED IMMUNODEFICIENCY WITH HYPEREOSINOPHILIA; Omenn syndrome. Identifiers: Orphanet 39041, MedGen C2700553, MONDO:0011338, OMIM 603554.

Allele frequency attached by ClinVar (database versions not stated): gnomAD 0.00016; ExAC 0.00032; gnomAD exomes 0.00038; ESP Exome Variant Server 0.00062; TOPMed 0.00087.
gnomAD v4.1: 418 of 1,612,212 alleles (0.026%); highest among the groups gnomAD compares: Admixed American, 0.015%; 4 homozygotes.

Submissions (9):

ClinGen Severe Combined Immunodeficiency Variant Curation Expert Panel, ClinGen
Classification: Likely benign for Severe combined immunodeficiency due to DCLRE1C deficiency. Last evaluated: 2023-11-14. Review status: reviewed by expert panel. Criteria: ClinGen SCID ACMG Specifications DCLRE1C V1.0.0. Collection method: curation. Allele origin: germline. Inheritance: Autosomal recessive inheritance.
Comment: The c.169G>T (NM_001033855.3) variant in DCLRE1C is a missense variant predicted to cause a substitution of Valine by Phenylalanine at amino acid 57 (p.Val57Phe). The popmax filtering allele frequency in gnomAD v2.1. is 0.0001675 (based on 29/128916 alleles in the non-Finnish European population), which is below the SCID VCEP established threshold of >0.00078. However, the highest MAF is in the Ashkenazi Jewish population at 0.005896 (61/10346 alleles and NO homozygotes reported), which is above the SCID VCEP established threshold of >00078. As this population is not known to have a higher disease prevalence, this is considered to meet BS1. After a comprehensive literature search, the variant has not been found in individuals with SCID due to DCLRE1C deficiency. In summary, this variant meets the criteria to be classified as Likely Benign for autosomal recessive SCID based on the ACMG criteria applied: BS1, as specified by the ClinGen SCID VCEP (VCEP specifications version 1).

Labcorp Genetics (formerly Invitae), Labcorp
Classification: Likely benign for Athabaskan severe combined immunodeficiency. Last evaluated: 2026-01-26. Review status: criteria provided, single submitter. Criteria: Invitae Variant Classification Sherloc (09022015). Collection method: clinical testing. Allele origin: germline. Not counted in ClinVar's aggregate classification.

CeGaT Center for Human Genetics Tuebingen
Classification: Likely benign. Last evaluated: 2025-03-01. Review status: criteria provided, single submitter. Criteria: CeGaT Center For Human Genetics Tuebingen Variant Classification Criteria Version 2. Collection method: clinical testing. Allele origin: germline. Affected: yes. Observed: 1 variant allele. Not counted in ClinVar's aggregate classification.
Comment: DCLRE1C: BS1:Supporting

Blueprint Genetics
Classification: Uncertain significance. Last evaluated: 2024-09-30. Review status: criteria provided, single submitter. Criteria: ACMG Guidelines, 2015. Collection method: clinical testing. Allele origin: germline. Not counted in ClinVar's aggregate classification.

Ambry Genetics
Classification: Uncertain significance for Inborn genetic diseases. Last evaluated: 2022-09-28. Review status: criteria provided, single submitter. Criteria: Ambry Variant Classification Scheme 2023. Collection method: clinical testing. Allele origin: germline. Not counted in ClinVar's aggregate classification.

Genome-Nilou Lab
Classification: Uncertain significance for Histiocytic medullary reticulosis. Last evaluated: 2021-05-18. Review status: criteria provided, single submitter. Criteria: ACMG Guidelines, 2015. Collection method: clinical testing. Allele origin: germline. Affected: no. Not counted in ClinVar's aggregate classification.

Illumina Laboratory Services, Illumina
Classification: Uncertain significance for Histiocytic medullary reticulosis. Last evaluated: 2018-01-12. Review status: criteria provided, single submitter. Criteria: ICSL Variant Classification Criteria 13 December 2019. Collection method: clinical testing. Allele origin: germline. Not counted in ClinVar's aggregate classification.

Natera, Inc.
Classification: Uncertain significance for Athabascan severe combined immunodeficiency. Last evaluated: 2020-04-13. Review status: no assertion criteria provided. Collection method: clinical testing. Allele origin: germline. Not counted in ClinVar's aggregate classification.

PreventionGenetics, part of Exact Sciences
Classification: Likely benign for DCLRE1C-related condition. Last evaluated: 2019-07-12. Review status: no assertion criteria provided. Collection method: clinical testing. Allele origin: germline. Not counted in ClinVar's aggregate classification.
Comment: This variant is classified as likely benign based on ACMG/AMP sequence variant interpretation guidelines (Richards et al. 2015 PMID: 25741868, with internal and published modifications).